The following is an entry in ClinVar:

NM_000051.4(ATM):c.7697C>G (p.Ala2566Gly)

Genes: ATM (ATM serine/threonine kinase; plus strand), C11orf65 (chromosome 11 open reading frame 65; minus strand). Cytogenetic location: 11q22.3.
Variant type: single nucleotide variant.
Coding change: c.7697C>G on transcript NM_000051.4 (MANE Select); coding-DNA position 7697, C replaced by G.
Protein change: p.Ala2566Gly; replaces alanine 2566 with glycine.
Molecular consequence: missense variant. On other transcripts: intron variant (2).
Genome position (GRCh38, 1-based): chr11:108,331,946, C>G. VCF-style: chr11-108331946-C-G. GRCh37 (hg19) VCF-style: chr11-108202673-C-G.
Other names: c.7697C>G, p.Ala2566Gly (NM_001351834.2); c.641-22875G>C (NM_001330368.2); c.*38+3274G>C (NM_001351110.2); short protein forms A2566G.
Identifiers: ClinVar variation 951019 (VCV000951019.10), dbSNP rs2086297257, ClinGen allele CA382561029.
Genomic context (GRCh38, chr11:108,331,946, plus strand): 5'-CTAGAATTTCAATGGATCACCCCCATCACACTTTGTTTATTATACTGGCCTTAGCAAATG[C>G]AAACAGAGATGAATTTCTGACTAAACCAGAGGTAGCCAGAAGAAGCAGAATAACTAAAAA-3'
Protein context (NP_000042.3, residues 2556-2576): TLFIILALAN[Ala2566Gly]NRDEFLTKPE

ClinVar aggregate classification (germline): Uncertain significance. Review status: criteria provided, multiple submitters, no conflicts (2 of 4 stars). 2 submissions from 2 submitters: Uncertain significance (2). Last evaluated 2021-09-01.

Conditions:
Hereditary cancer-predisposing syndrome. Also called: Tumor predisposition; Neoplastic Syndromes, Hereditary; Hereditary neoplastic syndrome; Hereditary Cancer Syndrome. Identifiers: Orphanet 140162, MedGen C0027672, MeSH D009386, MONDO:0015356.
Ataxia-telangiectasia syndrome (AT). Also called: Ataxia-telangiectasia, complementation group D; AT, COMPLEMENTATION GROUP C; ATAXIA-TELANGIECTASIA, COMPLEMENTATION GROUP A; ATAXIA-TELANGIECTASIA, FRESNO VARIANT; Ataxia-telangiectasia; Ataxia telangiectasia (A-T). Identifiers: Orphanet 100, MedGen C0004135, MONDO:0008840, OMIM 208900.

Submissions (2):

Labcorp Genetics (formerly Invitae), Labcorp
Classification: Uncertain significance for Ataxia-telangiectasia syndrome. Last evaluated: 2021-09-01. Review status: criteria provided, single submitter. Criteria: Invitae Variant Classification Sherloc (09022015). Collection method: clinical testing. Allele origin: germline.
Comment: This sequence change replaces alanine with glycine at codon 2566 of the ATM protein (p.Ala2566Gly). The alanine residue is highly conserved and there is a small physicochemical difference between alanine and glycine. This variant is not present in population databases (ExAC no frequency). This variant has not been reported in the literature in individuals affected with ATM-related conditions. Algorithms developed to predict the effect of missense changes on protein structure and function (SIFT, PolyPhen-2, Align-GVGD) all suggest that this variant is likely to be disruptive. In summary, the available evidence is currently insufficient to determine the role of this variant in disease. Therefore, it has been classified as a Variant of Uncertain Significance.

Ambry Genetics
Classification: Uncertain significance for Hereditary cancer-predisposing syndrome. Last evaluated: 2019-12-11. Review status: criteria provided, single submitter. Criteria: Ambry Variant Classification Scheme 2023. Collection method: clinical testing. Allele origin: germline.
Comment: The p.A2566G variant (also known as c.7697C>G), located in coding exon 51 of the ATM gene, results from a C to G substitution at nucleotide position 7697. The alanine at codon 2566 is replaced by glycine, an amino acid with similar properties. This amino acid position is highly conserved in available vertebrate species. In addition, the in silico prediction for this alteration is inconclusive. Since supporting evidence is limited at this time, the clinical significance of this alteration remains unclear.